The following is an entry in ClinVar:

ClinVar aggregate classification (germline): Conflicting classifications of pathogenicity. Review status: criteria provided, conflicting classifications (1 of 4 stars). 2 submissions from 2 submitters: Likely pathogenic (1); Uncertain significance (1). Last evaluated 2021-11-04.

Allele frequency attached by ClinVar (database versions not stated): gnomAD exomes 0.00001; gnomAD 0.00002; TOPMed 0.00002.
gnomAD v4.1: 16 of 1,612,940 alleles (0.00099%); highest among the groups gnomAD compares: Non-Finnish European, 0.0013%; no homozygotes.

Submissions (2):

Labcorp Genetics (formerly Invitae), Labcorp
Classification: Uncertain significance. Last evaluated: 2021-11-04. Review status: criteria provided, single submitter. Criteria: Invitae Variant Classification Sherloc (09022015). Collection method: clinical testing. Allele origin: germline.
Comment: This sequence change replaces glycine, which is neutral and non-polar, with cysteine, which is neutral and slightly polar, at codon 904 of the COL7A1 protein (p.Gly904Cys). This variant also falls at the last nucleotide of exon 20, which is part of the consensus splice site for this exon. This variant is not present in population databases (gnomAD no frequency). This variant has not been reported in the literature in individuals affected with COL7A1-related conditions. ClinVar contains an entry for this variant (Variation ID: 1204405). Algorithms developed to predict the effect of missense changes on protein structure and function are either unavailable or do not agree on the potential impact of this missense change (SIFT: "Deleterious"; PolyPhen-2: "Not Available"; Align-GVGD: "Class C0"). Variants that disrupt the consensus splice site are a relatively common cause of aberrant splicing (PMID: 17576681, 9536098). Algorithms developed to predict the effect of sequence changes on RNA splicing suggest that this variant may disrupt the consensus splice site. In summary, the available evidence is currently insufficient to determine the role of this variant in disease. Therefore, it has been classified as a Variant of Uncertain Significance.

GeneDx
Classification: Likely pathogenic. Last evaluated: 2019-01-14. Review status: criteria provided, single submitter. Criteria: GeneDx Variant Classification Process June 2021. Collection method: clinical testing. Allele origin: germline. Affected: yes.
Comment: Has not been previously published as pathogenic or benign to our knowledge; Not observed in large population cohorts (Lek et al., 2016); Located within the non-helical fibronectin fold of collagen VII; In silico analysis, which includes splice predictors and evolutionary conservation, supports a deleterious effect and suggests that c.2710 G>T destroys the natural splice donor site of exon 20

Literature cited by the submitters: PubMed 17576681 (cited by Labcorp Genetics (formerly Invitae), Labcorp); PubMed 9536098 (cited by Labcorp Genetics (formerly Invitae), Labcorp).

NM_000094.4(COL7A1):c.2710G>T (p.Gly904Cys)

Gene: COL7A1 (collagen type VII alpha 1 chain; minus strand). Cytogenetic location: 3p21.31.
Variant type: single nucleotide variant.
Coding change: c.2710G>T on transcript NM_000094.4 (MANE Select); coding-DNA position 2710, G replaced by T.
Protein change: p.Gly904Cys; replaces glycine 904 with cysteine.
Molecular consequence: missense variant.
Genome position (GRCh38, 1-based): chr3:48,588,282, C>A on the plus strand (G>T on the coding strand, the complement: COL7A1 is on the minus strand). VCF-style: chr3-48588282-C-A. GRCh37 (hg19) VCF-style: chr3-48625715-C-A.
Other names: short protein forms G904C.
Identifiers: ClinVar variation 1204405 (VCV001204405.6), dbSNP rs781144604, ClinGen allele CA73987019.